The following is an entry in ClinVar:

ClinVar aggregate classification (germline): Likely benign. Review status: criteria provided, multiple submitters, no conflicts (2 of 4 stars). 2 submissions from 2 submitters: Likely benign (2). Last evaluated 2021-12-23.

Conditions:
X-linked Emery-Dreifuss muscular dystrophy. Also called: Muscular dystrophy, tardive Emery-Dreifuss type, with contractures. Identifiers: Orphanet 261, Orphanet 98863, MedGen C0751337, MONDO:0010680.

Allele frequency attached by ClinVar (database versions not stated): gnomAD exomes below 0.00001.
gnomAD v4.1: 1 of 1,209,957 alleles (0.000083%); highest among the groups gnomAD compares: Non-Finnish European, 0.00011%; no homozygotes.

Submissions (2):

Labcorp Genetics (formerly Invitae), Labcorp
Classification: Likely benign for X-linked Emery-Dreifuss muscular dystrophy. Last evaluated: 2021-12-23. Review status: criteria provided, single submitter. Criteria: Invitae Variant Classification Sherloc (09022015). Collection method: clinical testing. Allele origin: germline.

GeneDx
Classification: Likely benign. Last evaluated: 2017-01-24. Review status: criteria provided, single submitter. Criteria: GeneDx Variant Classification (06012015). Collection method: clinical testing. Allele origin: germline. Affected: yes.
Comment: This variant is considered likely benign or benign based on one or more of the following criteria: it is a conservative change, it occurs at a poorly conserved position in the protein, it is predicted to be benign by multiple in silico algorithms, and/or has population frequency not consistent with disease.

NM_000117.3(EMD):c.188-4C>T

Gene: EMD (emerin; plus strand). Cytogenetic location: Xq28.
Variant type: single nucleotide variant.
Coding change: c.188-4C>T on transcript NM_000117.3 (MANE Select); 4 bases into the intron before coding-DNA position 188, C replaced by T.
Molecular consequence: intron variant.
Genome position (GRCh38, 1-based): chrX:154,379,938, C>T. VCF-style: chrX-154379938-C-T. GRCh37 (hg19) VCF-style: chrX-153608298-C-T.
Identifiers: ClinVar variation 507017 (VCV000507017.6), dbSNP rs1557182352, ClinGen allele CA658799913.
Genomic context (GRCh38, chrX:154,379,938, plus strand): 5'-GCACTGGAGAAAGGGGAGGGAAGTCTGGGGGGGCAAACAGTTCTGTCTCCTCCTTTCAAT[C>T]CAGACTTGAATTCGACTAGAGGGGATGCAGATATGTATGATCTTCCCAAGAAAGAGGACG-3'